The following is an entry in ClinVar:

ClinVar aggregate classification (germline): Uncertain significance (1 of 4 stars; one submission).

gnomAD v4.1: 1 of 1,614,124 alleles (0.000062%); highest among the groups gnomAD compares: African/African-American, 0.0013%; no homozygotes.

Submission:

Labcorp Genetics (formerly Invitae), Labcorp
Classification: Uncertain significance. Last evaluated: 2025-11-01. Review status: criteria provided, single submitter. Criteria: Invitae Variant Classification Sherloc (09022015). Collection method: clinical testing. Allele origin: germline.
Comment: This sequence change falls in intron 6 of the RIPK1 gene. It does not directly change the encoded amino acid sequence of the RIPK1 protein. It affects a nucleotide within the consensus splice site. This variant is not present in population databases (gnomAD no frequency). This variant has not been reported in the literature in individuals affected with RIPK1-related conditions. Variants that disrupt the consensus splice site are a relatively common cause of aberrant splicing (PMID: 17576681, 9536098). Algorithms developed to predict the effect of sequence changes on RNA splicing suggest that this variant is not likely to affect RNA splicing. In summary, the available evidence is currently insufficient to determine the role of this variant in disease. Therefore, it has been classified as a Variant of Uncertain Significance.

Literature cited by the submitters: PubMed 17576681; PubMed 9536098.

NM_001354930.2(RIPK1):c.838+4A>G

Gene: RIPK1 (receptor interacting serine/threonine kinase 1; plus strand). Cytogenetic location: 6p25.2.
Variant type: single nucleotide variant.
Coding change: c.838+4A>G on transcript NM_001354930.2 (MANE Select); 4 bases into the intron after coding-DNA position 838, A replaced by G.
Molecular consequence: intron variant.
Genome position (GRCh38, 1-based): chr6:3,085,412, A>G. VCF-style: chr6-3085412-A-G. GRCh37 (hg19) VCF-style: chr6-3085646-A-G.
Other names: c.349+4A>G (NM_001317061.3, NM_001354932.2, NM_001354934.2 and 1 more transcripts); c.838+4A>G (NM_003804.6); c.700+4A>G (NM_001354931.2).
Identifiers: ClinVar variation 4805855 (VCV004805855.1).
Genomic context (GRCh38, chr6:3,085,412, plus strand): 5'-TCAGTCTCATGAAGCTCTGCTGGGAAGCGAATCCGGAAGCTCGGCCGACATTTCCTGGTA[A>G]GAGCATCTTTTCTGACTGTGTAGGATGCATCCTGTGTGGTGATTTTCCTAGTAACATATT-3'